The following is an entry in ClinVar:

NM_001142864.4(PIEZO1):c.4180G>A (p.Gly1394Ser)

Gene: PIEZO1 (piezo type mechanosensitive ion channel component 1 (Er blood group); minus strand). Cytogenetic location: 16q24.3.
Variant type: single nucleotide variant.
Coding change: c.4180G>A on transcript NM_001142864.4 (MANE Select); coding-DNA position 4180, G replaced by A.
Protein change: p.Gly1394Ser; replaces glycine 1394 with serine.
Molecular consequence: missense variant.
Genome position (GRCh38, 1-based): chr16:88,725,063, C>T on the plus strand (G>A on the coding strand, the complement: PIEZO1 is on the minus strand). VCF-style: chr16-88725063-C-T. GRCh37 (hg19) VCF-style: chr16-88791471-C-T.
Other names: c.4180G>A (NM_001142864.3); c.2722G>A, p.Gly908Ser (NM_014745.1); short protein forms G908S, G1394S.
Identifiers: ClinVar variation 2354954 (VCV002354954.9), dbSNP rs753919544, ClinGen allele CA8232233.

ClinVar aggregate classification (germline): Conflicting classifications of pathogenicity. Review status: criteria provided, conflicting classifications (1 of 4 stars). 6 submissions from 6 submitters: Uncertain significance (5); Benign (1). Last evaluated 2024-08-02.

Conditions:
Inborn genetic diseases. Identifiers: MedGen C0950123, MeSH D030342.
PIEZO1-related disorder. Also called: PIEZO1-related condition; PIEZO1-Related Disorders.

gnomAD v4.1: 112 of 1,510,366 alleles (0.0074%); highest among the groups gnomAD compares: Non-Finnish European, 0.0091%; no homozygotes.

Submissions (6):

Blueprint Genetics
Classification: Uncertain significance. Last evaluated: 2024-08-02. Review status: criteria provided, single submitter. Criteria: ACMG Guidelines, 2015. Collection method: clinical testing. Allele origin: germline.

ARUP Laboratories, Molecular Genetics and Genomics, ARUP Laboratories
Classification: Uncertain significance. Last evaluated: 2024-07-24. Review status: criteria provided, single submitter. Criteria: ARUP Molecular Germline Variant Investigation Process 2024. Collection method: clinical testing. Allele origin: germline.
Comment: The PIEZO1 c.4180G>A; p.Gly1394Ser variant (rs753919544), to our knowledge, is not reported in the medical literature but is reported in ClinVar (Variation ID: 2354954). This variant is found in the general population with an overall allele frequency of 0.004% (5/142,132 alleles) in the Genome Aggregation Database (v2.1.1). Computational analyses predict that this variant is neutral (REVEL: 0.121). Due to limited information, the clinical significance of this variant is uncertain at this time.

Labcorp Genetics (formerly Invitae), Labcorp
Classification: Benign. Last evaluated: 2024-03-28. Review status: criteria provided, single submitter. Criteria: Invitae Variant Classification Sherloc (09022015). Collection method: clinical testing. Allele origin: germline.

GeneDx
Classification: Uncertain significance. Last evaluated: 2024-02-01. Review status: criteria provided, single submitter. Criteria: GeneDx Variant Classification Process June 2021. Collection method: clinical testing. Allele origin: germline. Affected: yes.
Comment: In silico analysis supports that this missense variant does not alter protein structure/function; Has not been previously published as pathogenic or benign to our knowledge

PreventionGenetics, part of Exact Sciences
Classification: Uncertain significance for PIEZO1-related condition. Last evaluated: 2023-06-13. Review status: criteria provided, single submitter. Criteria: ACMG Guidelines, 2015. Collection method: clinical testing. Allele origin: germline.
Comment: The PIEZO1 c.4180G>A variant is predicted to result in the amino acid substitution p.Gly1394Ser. To our knowledge, this variant has not been reported in the literature. This variant is reported in 0.0075% of alleles in individuals of African descent in gnomAD. At this time, the clinical significance of this variant is uncertain due to the absence of conclusive functional and genetic evidence.

Ambry Genetics
Classification: Uncertain significance for Inborn genetic diseases. Last evaluated: 2021-08-16. Review status: criteria provided, single submitter. Criteria: Ambry Variant Classification Scheme 2023. Collection method: clinical testing. Allele origin: germline.